The following is an entry in ClinVar:

NM_144997.7(FLCN):c.1300G>A (p.Glu434Lys)

Gene: FLCN (folliculin; minus strand). Cytogenetic location: 17p11.2.
Variant type: single nucleotide variant.
Coding change: c.1300G>A on transcript NM_144997.7 (MANE Select); coding-DNA position 1300, G replaced by A.
Protein change: p.Glu434Lys; replaces glutamic acid 434 with lysine.
Molecular consequence: missense variant.
Genome position (GRCh38, 1-based): chr17:17,216,380, C>T on the plus strand (G>A on the coding strand, the complement: FLCN is on the minus strand). VCF-style: chr17-17216380-C-T. GRCh37 (hg19) VCF-style: chr17-17119694-C-T.
Other names: c.1354G>A, p.Glu452Lys (NM_001353229.2); c.1300G>A, p.Glu434Lys (NM_001353230.2, NM_001353231.2); short protein forms E452K, E434K.
Identifiers: ClinVar variation 835319 (VCV000835319.7), dbSNP rs1266098984, ClinGen allele CA398531574.

ClinVar aggregate classification (germline): Likely pathogenic (1 of 4 stars; one submission).

Conditions:
Birt-Hogg-Dube syndrome. Also called: Birt Hogg Dubé syndrome. Identifiers: Orphanet 122, MedGen C0346010, MONDO:0800444.

gnomAD v4.1: 1 of 1,613,424 alleles (0.000062%); highest among the groups gnomAD compares: Non-Finnish European, 0.000085%; no homozygotes.

Submission:

Labcorp Genetics (formerly Invitae), Labcorp
Classification: Likely pathogenic for Birt-Hogg-Dube syndrome. Last evaluated: 2025-10-01. Review status: criteria provided, single submitter. Criteria: Invitae Variant Classification Sherloc (09022015). Collection method: clinical testing. Allele origin: germline.
Comment: This sequence change replaces glutamic acid, which is acidic and polar, with lysine, which is basic and polar, at codon 434 of the FLCN protein (p.Glu434Lys). RNA analysis indicates that this missense change induces altered splicing and may result in an absent or altered protein product. This variant is not present in population databases (gnomAD no frequency). This missense change has been observed in individual(s) with clinical features of Birt-Hogg-Dubé syndrome (PMID: 18234728, 19785621, 25519458). ClinVar contains an entry for this variant (Variation ID: 835319). An algorithm developed to predict the effect of missense changes on protein structure and function (PolyPhen-2) suggests that this variant is likely to be tolerated. Variants that disrupt the consensus splice site are a relatively common cause of aberrant splicing (PMID: 17576681, 9536098). Studies have shown that this missense change results in skipping of exon 11 , and produces a non-functional protein and/or introduces a premature termination codon (internal data). In summary, the currently available evidence indicates that the variant is pathogenic, but additional data are needed to prove that conclusively. Therefore, this variant has been classified as Likely Pathogenic.

Literature cited by the submitters: PubMed 18234728; PubMed 19785621; PubMed 25519458; PubMed 17576681; PubMed 9536098.